The following is an entry in ClinVar:

ClinVar aggregate classification (germline): Pathogenic/Likely pathogenic. Review status: criteria provided, multiple submitters, no conflicts (2 of 4 stars). 4 submissions from 4 submitters: Pathogenic (3); Likely pathogenic (1). Last evaluated 2025-06-12.

Conditions:
Tyrosinase-positive oculocutaneous albinism (OCA2). Also called: Oculocutaneous albinism type 2; ALBINISM II; Albinism, oculocutaneous, type II. Identifiers: Orphanet 79432, MedGen C0268495, MONDO:0008746, OMIM 203200.
SKIN/HAIR/EYE PIGMENTATION 1, BLUE/NONBLUE EYES (SHEP1). Also called: BROWN EYE COLOR 2; EYE COLOR 3; EYE COLOR, BLUE/NONBLUE; EYE COLOR, BROWN/BLUE; HAIR COLOR 3; SKIN/HAIR/EYE PIGMENTATION 1, BLOND/BROWN HAIR. Identifiers: MedGen C1856895, OMIM 227220.

Allele frequency attached by ClinVar (database versions not stated): gnomAD exomes below 0.00001; TOPMed below 0.00001; ExAC 0.00001.
gnomAD v4.1: 2 of 1,614,170 alleles (0.00012%); highest among the groups gnomAD compares: Admixed American, 0.0033%; no homozygotes.

Submissions (4):

Labcorp Genetics (formerly Invitae), Labcorp
Classification: Pathogenic. Last evaluated: 2025-06-12. Review status: criteria provided, single submitter. Criteria: Invitae Variant Classification Sherloc (09022015). Collection method: clinical testing. Allele origin: germline.
Comment: This sequence change creates a premature translational stop signal (p.Tyr277*) in the OCA2 gene. It is expected to result in an absent or disrupted protein product. Loss-of-function variants in OCA2 are known to be pathogenic (PMID: 19865097, 21541274). This variant is not present in population databases (gnomAD no frequency). This variant has not been reported in the literature in individuals affected with OCA2-related conditions. ClinVar contains an entry for this variant (Variation ID: 1324827). For these reasons, this variant has been classified as Pathogenic.

Myriad Genetics, Inc.
Classification: Pathogenic for Tyrosinase-positive oculocutaneous albinism. Last evaluated: 2024-06-10. Review status: criteria provided, single submitter. Criteria: Myriad Autosomal Dominant, Autosomal Recessive and X-Linked Classification Criteria (2023). Collection method: clinical testing. Allele origin: unknown.
Comment: NM_000275.2(OCA2):c.831T>A(Y277*) is expected to be pathogenic in the context of oculocutaneous albinism, OCA2-related. This variant is predicted to lead to an abnormal or absent protein product due to the creation of a premature termination codon in OCA2, a gene where loss-of-function variants are known to be pathogenic. Please note: this variant was assessed in the context of healthy population screening.

Baylor Genetics
Classification: Pathogenic for SKIN/HAIR/EYE PIGMENTATION 1, BLUE/NONBLUE EYES. Last evaluated: 2023-07-22. Review status: criteria provided, single submitter. Criteria: ACMG Guidelines, 2015. Collection method: clinical testing. Allele origin: unknown.

Revvity Omics, Revvity
Classification: Likely pathogenic. Last evaluated: 2021-07-27. Review status: criteria provided, single submitter. Criteria: ACMG Guidelines, 2015. Collection method: clinical testing. Allele origin: germline.

Literature cited by the submitters: PubMed 19865097 (cited by Labcorp Genetics (formerly Invitae), Labcorp); PubMed 21541274 (cited by Labcorp Genetics (formerly Invitae), Labcorp).

NM_000275.3(OCA2):c.831T>A (p.Tyr277Ter)

Gene: OCA2 (OCA2 melanosomal transmembrane protein; minus strand). Cytogenetic location: 15q13.1.
Variant type: single nucleotide variant.
Coding change: c.831T>A on transcript NM_000275.3 (MANE Select); coding-DNA position 831, T replaced by A.
Protein change: p.Tyr277Ter; replaces tyrosine 277 with a stop codon.
Molecular consequence: nonsense.
Genome position (GRCh38, 1-based): chr15:28,016,163, A>T on the plus strand (T>A on the coding strand, the complement: OCA2 is on the minus strand). VCF-style: chr15-28016163-A-T. GRCh37 (hg19) VCF-style: chr15-28261309-A-T.
Other names: c.831T>A, p.Tyr277Ter (NM_001300984.2); short protein forms Y277*.
Identifiers: ClinVar variation 1324827 (VCV001324827.10), dbSNP rs759876062, ClinGen allele CA7439329.